The following is an entry in ClinVar:

NM_001127208.3(TET2):c.1691_1731dup (p.His578delinsGlyLeuAsnTer)

Genes: TET2 (tet methylcytosine dioxygenase 2; plus strand), TET2-AS1 (TET2 antisense RNA 1; minus strand). Cytogenetic location: 4q24.
Variant type: Duplication.
Coding change: c.1691_1731dup on transcript NM_001127208.3 (MANE Select); coding-DNA positions 1691 to 1731, 41 bases duplicated.
Protein change: p.His578delinsGlyLeuAsnTer.
Molecular consequence: nonsense.
Genome position (GRCh38, 1-based): chr4:105,235,633-105,235,673, 41 bases duplicated. GRCh37 (hg19): chr4:106,156,790-106,156,830.
Other names: c.1691_1731dup, p.His578delinsGlyLeuAsnTer (NM_017628.4).
Identifiers: ClinVar variation 4729467 (VCV004729467.1).

ClinVar aggregate classification (germline): Pathogenic (1 of 4 stars; one submission).

Submission:

Labcorp Genetics (formerly Invitae), Labcorp
Classification: Pathogenic. Last evaluated: 2025-10-18. Review status: criteria provided, single submitter. Criteria: Invitae Variant Classification Sherloc (09022015). Collection method: clinical testing. Allele origin: germline.
Comment: This sequence change creates a premature translational stop signal (p.His578delinsGlyLeuAsn*) in the TET2 gene. It is expected to result in an absent or disrupted protein product. Loss-of-function variants in TET2 are known to be pathogenic (PMID: 36066697). This variant is not present in population databases (gnomAD no frequency). This variant has not been reported in the literature in individuals affected with TET2-related conditions. For these reasons, this variant has been classified as Pathogenic.

Literature cited by the submitters: PubMed 36066697.